The following is an entry in ClinVar:

NM_032119.4(ADGRV1):c.7727C>A (p.Ala2576Asp)

Gene: ADGRV1 (adhesion G protein-coupled receptor V1; plus strand). Cytogenetic location: 5q14.3.
Variant type: single nucleotide variant.
Coding change: c.7727C>A on transcript NM_032119.4 (MANE Select); coding-DNA position 7727, C replaced by A.
Protein change: p.Ala2576Asp; replaces alanine 2576 with aspartic acid.
Molecular consequence: missense variant. On other transcripts: non-coding transcript variant (1).
Genome position (GRCh38, 1-based): chr5:90,694,483, C>A. VCF-style: chr5-90694483-C-A. GRCh37 (hg19) VCF-style: chr5-89990300-C-A.
Other names: short protein forms A2576D.
Identifiers: ClinVar variation 4872134 (VCV004872134.2).

ClinVar aggregate classification (germline): Uncertain significance (1 of 4 stars; one submission).

gnomAD v4.1: 4 of 1,613,888 alleles (0.00025%); highest among the groups gnomAD compares: Middle Eastern, 0.016%; no homozygotes.

Submission:

CeGaT Center for Human Genetics Tuebingen
Classification: Uncertain significance. Last evaluated: 2026-06-01. Review status: criteria provided, single submitter. Criteria: CeGaT Center For Human Genetics Tuebingen Variant Classification Criteria Version 2. Collection method: clinical testing. Allele origin: germline. Affected: yes. Observed: 1 variant allele.
Comment: ADGRV1: PM2